The following is an entry in ClinVar:

ClinVar aggregate classification (germline): Conflicting classifications of pathogenicity. Review status: criteria provided, conflicting classifications (1 of 4 stars). 3 submissions from 3 submitters: Uncertain significance (2); Likely benign (1). Last evaluated 2025-03-12.

Conditions:
D-2-hydroxyglutaric aciduria 2 (D2HGA2). Identifiers: Orphanet 79315, MedGen C3150909, MONDO:0013345, OMIM 613657.
Inborn genetic diseases. Identifiers: MedGen C0950123, MeSH D030342.

Allele frequency attached by ClinVar (database versions not stated): gnomAD 0.00001; TOPMed 0.00001; ExAC 0.00002; gnomAD exomes 0.00002 and 0.00008.
gnomAD v4.1: 24 of 1,613,920 alleles (0.0015%); highest among the groups gnomAD compares: Admixed American, 0.038%; 1 homozygote.

Submissions (3):

Labcorp Genetics (formerly Invitae), Labcorp
Classification: Uncertain significance for D-2-hydroxyglutaric aciduria 2. Last evaluated: 2025-03-12. Review status: criteria provided, single submitter. Criteria: Invitae Variant Classification Sherloc (09022015). Collection method: clinical testing. Allele origin: germline.
Comment: This sequence change replaces aspartic acid, which is acidic and polar, with histidine, which is basic and polar, at codon 386 of the IDH2 protein (p.Asp386His). The frequency data for this variant in the population databases is considered unreliable, as metrics indicate poor data quality at this position in the gnomAD database. This variant has not been reported in the literature in individuals affected with IDH2-related conditions. ClinVar contains an entry for this variant (Variation ID: 452078). Invitae Evidence Modeling of protein sequence and biophysical properties (such as structural, functional, and spatial information, amino acid conservation, physicochemical variation, residue mobility, and thermodynamic stability) indicates that this missense variant is expected to disrupt IDH2 protein function with a positive predictive value of 80%. In summary, the available evidence is currently insufficient to determine the role of this variant in disease. Therefore, it has been classified as a Variant of Uncertain Significance.

Ambry Genetics
Classification: Likely benign for Inborn genetic diseases. Last evaluated: 2021-05-25. Review status: criteria provided, single submitter. Criteria: Ambry Variant Classification Scheme 2023. Collection method: clinical testing. Allele origin: germline.

GeneDx
Classification: Uncertain significance. Last evaluated: 2017-09-22. Review status: criteria provided, single submitter. Criteria: GeneDx Variant Classification (06012015). Collection method: clinical testing. Allele origin: germline. Affected: yes.
Comment: The D386H variant in the IDH2 gene has not been reported previously as a pathogenic variant, nor as a benign variant, to our knowledge. The D386H variant is observed in 20/33582 (0.06%) alleles from individuals of Latino background in large population cohorts (Lek et al., 2016). The D386H variant is a non-conservative amino acid substitution, which is likely to impact secondary protein structure as these residues differ in polarity, charge, size and/or other properties. This substitution occurs at a position that is conserved across species. In silico analysis predicts this variant is probably damaging to the protein structure/function. We interpret D386H as a variant of uncertain significance.

NM_002168.4(IDH2):c.1156G>C (p.Asp386His)

Gene: IDH2 (isocitrate dehydrogenase (NADP(+)) 2; minus strand). Cytogenetic location: 15q26.1.
Variant type: single nucleotide variant.
Coding change: c.1156G>C on transcript NM_002168.4 (MANE Select); coding-DNA position 1156, G replaced by C.
Protein change: p.Asp386His; replaces aspartic acid 386 with histidine.
Molecular consequence: missense variant.
Genome position (GRCh38, 1-based): chr15:90,085,023, C>G on the plus strand (G>C on the coding strand, the complement: IDH2 is on the minus strand). VCF-style: chr15-90085023-C-G. GRCh37 (hg19) VCF-style: chr15-90628255-C-G.
Other names: c.1000G>C, p.Asp334His (NM_001289910.1); c.766G>C, p.Asp256His (NM_001290114.2); short protein forms D334H, D386H, D256H.
Identifiers: ClinVar variation 452078 (VCV000452078.9), dbSNP rs774323865, ClinGen allele CA7732951.